The following is an entry in ClinVar:

ClinVar aggregate classification (germline): Benign/Likely benign. Review status: criteria provided, multiple submitters, no conflicts (2 of 4 stars). 9 submissions from 8 submitters: Benign (1); Likely benign (5). 3 of the submissions do not count toward it. Last evaluated 2026-01-27.

Conditions:
Aortic valve disease 1 (AOVD1). Identifiers: MedGen C3887892, MONDO:0024523, OMIM 109730.
Adams-Oliver syndrome 5 (AOS5). Identifiers: Orphanet 974, MedGen C4014970, MONDO:0014459, OMIM 616028.

Allele frequency attached by ClinVar (database versions not stated): ExAC 0.00015; gnomAD exomes 0.00020; TOPMed 0.00022; ESP Exome Variant Server 0.00025; gnomAD 0.00025 and 0.00026.
gnomAD v4.1: 465 of 1,609,490 alleles (0.029%); highest among the groups gnomAD compares: Non-Finnish European, 0.038%; no homozygotes.

Submissions (9):

Labcorp Genetics (formerly Invitae), Labcorp
Classification: Likely benign for Adams-Oliver syndrome 5. Last evaluated: 2026-01-27. Review status: criteria provided, single submitter. Criteria: Invitae Variant Classification Sherloc (09022015). Collection method: clinical testing. Allele origin: germline.

Women's Health and Genetics/Laboratory Corporation of America, LabCorp
Classification: Benign. Last evaluated: 2024-02-11. Review status: criteria provided, single submitter. Criteria: LabCorp Variant Classification Summary - May 2015. Collection method: clinical testing. Allele origin: germline.

Blueprint Genetics
Classification: Likely benign. Last evaluated: 2023-12-01. Review status: criteria provided, single submitter. Criteria: ACMG Guidelines, 2015. Collection method: clinical testing. Allele origin: germline.

Genome-Nilou Lab
Classification: Likely benign for Adams-Oliver syndrome 5. Last evaluated: 2022-03-15. Review status: criteria provided, single submitter. Criteria: ACMG Guidelines, 2015. Collection method: clinical testing. Allele origin: germline. Affected: no.

Genome-Nilou Lab
Classification: Likely benign for Aortic valve disease 1. Last evaluated: 2022-03-15. Review status: criteria provided, single submitter. Criteria: ACMG Guidelines, 2015. Collection method: clinical testing. Allele origin: germline. Affected: no.

GeneDx
Classification: Likely benign. Last evaluated: 2017-01-17. Review status: criteria provided, single submitter. Criteria: GeneDx Variant Classification (06012015). Collection method: clinical testing. Allele origin: germline. Affected: yes.
Comment: This variant is considered likely benign or benign based on one or more of the following criteria: it is a conservative change, it occurs at a poorly conserved position in the protein, it is predicted to be benign by multiple in silico algorithms, and/or has population frequency not consistent with disease.

Genome Diagnostics Laboratory, Amsterdam University Medical Center
Classification: Likely benign. Review status: no assertion criteria provided. Collection method: clinical testing. Allele origin: germline. Affected: yes. Study: VKGL Data-share Consensus. Not counted in ClinVar's aggregate classification.

Genome Diagnostics Laboratory, University Medical Center Utrecht
Classification: Likely benign. Review status: no assertion criteria provided. Collection method: clinical testing. Allele origin: germline. Affected: yes. Study: VKGL Data-share Consensus. Not counted in ClinVar's aggregate classification.

Joint Genome Diagnostic Labs from Nijmegen and Maastricht, Radboudumc and MUMC+
Classification: Likely benign. Review status: no assertion criteria provided. Collection method: clinical testing. Allele origin: germline. Affected: yes. Study: VKGL Data-share Consensus. Not counted in ClinVar's aggregate classification.

NM_017617.5(NOTCH1):c.5638+19A>G

Gene: NOTCH1 (notch receptor 1; minus strand). Cytogenetic location: 9q34.3.
Variant type: single nucleotide variant.
Coding change: c.5638+19A>G on transcript NM_017617.5 (MANE Select); 19 bases into the intron after coding-DNA position 5638, A replaced by G.
Molecular consequence: intron variant.
Genome position (GRCh38, 1-based): chr9:136,501,729, T>C on the plus strand (A>G on the coding strand, the complement: NOTCH1 is on the minus strand). VCF-style: chr9-136501729-T-C. GRCh37 (hg19) VCF-style: chr9-139396181-T-C.
Other names: c.5638+19A>G (LRG_1122t1).
Identifiers: ClinVar variation 392828 (VCV000392828.15), dbSNP rs368675083, ClinGen allele CA5340190.